The following is an entry in ClinVar:

ClinVar aggregate classification (germline): Pathogenic/Likely pathogenic. Review status: criteria provided, multiple submitters, no conflicts (2 of 4 stars). 3 submissions from 3 submitters: Pathogenic (2); Likely pathogenic (1). Last evaluated 2023-11-04.

Conditions:
USH2A-related disorder. Also called: USH2A-related condition; USH2A-related disorders. Identifiers: MedGen CN239332.
Retinitis pigmentosa 39 (RP39). Identifiers: Orphanet 791, MedGen C3151138, MONDO:0013436, OMIM 613809.

Submissions (3):

Genome-Nilou Lab
Classification: Likely pathogenic for Retinitis pigmentosa 39. Last evaluated: 2023-11-04. Review status: criteria provided, single submitter. Criteria: ACMG Guidelines, 2015. Collection method: clinical testing. Allele origin: germline. Affected: no.

Labcorp Genetics (formerly Invitae), Labcorp
Classification: Pathogenic. Last evaluated: 2021-11-01. Review status: criteria provided, single submitter. Criteria: Invitae Variant Classification Sherloc (09022015). Collection method: clinical testing. Allele origin: germline.
Comment: This variant is not present in population databases (gnomAD no frequency). This sequence change creates a premature translational stop signal (p.Tyr3469*) in the USH2A gene. It is expected to result in an absent or disrupted protein product. Loss-of-function variants in USH2A are known to be pathogenic (PMID: 10729113, 10909849, 20507924, 25649381). This variant has not been reported in the literature in individuals affected with USH2A-related conditions. ClinVar contains an entry for this variant (Variation ID: 866009). For these reasons, this variant has been classified as Pathogenic.

Blueprint Genetics
Classification: Pathogenic for USH2A-related disorders. Last evaluated: 2021-04-30. Review status: criteria provided, single submitter. Criteria: ACMG Guidelines, 2015. Collection method: clinical testing. Allele origin: germline. Affected: yes. Observed: 3 variant alleles.

Literature cited by the submitters: PubMed 10729113 (cited by Labcorp Genetics (formerly Invitae), Labcorp); PubMed 10909849 (cited by Labcorp Genetics (formerly Invitae), Labcorp); PubMed 20507924 (cited by Labcorp Genetics (formerly Invitae), Labcorp); PubMed 25649381 (cited by Labcorp Genetics (formerly Invitae), Labcorp).

NM_206933.4(USH2A):c.10407C>A (p.Tyr3469Ter)

Gene: USH2A (usherin; minus strand). Cytogenetic location: 1q41.
Variant type: single nucleotide variant.
Coding change: c.10407C>A on transcript NM_206933.4 (MANE Select); coding-DNA position 10407, C replaced by A.
Protein change: p.Tyr3469Ter; replaces tyrosine 3469 with a stop codon.
Molecular consequence: nonsense.
Genome position (GRCh38, 1-based): chr1:215,782,916, G>T on the plus strand (C>A on the coding strand, the complement: USH2A is on the minus strand). VCF-style: chr1-215782916-G-T. GRCh37 (hg19) VCF-style: chr1-215956258-G-T.
Other names: short protein forms Y3469*.
Identifiers: ClinVar variation 866009 (VCV000866009.9), dbSNP rs1661687852, ClinGen allele CA344838181.